The following is an entry in ClinVar:

ClinVar aggregate classification (germline): Conflicting classifications of pathogenicity. Review status: criteria provided, conflicting classifications (1 of 4 stars). 3 submissions from 3 submitters: Uncertain significance (1); Likely benign (2). Last evaluated 2025-07-23.

Conditions:
Hereditary xanthinuria type 1 (XAN1). Identifiers: Orphanet 3467, Orphanet 93601, MedGen C0268118, MONDO:0010209, OMIM 278300.
XDH-related disorder. Also called: XDH-related condition.
Xanthinuria type II. Also called: Xanthine dehydrogenase and aldehyde oxidase combined deficiency of; XDH and AOX dual deficiency. Identifiers: Orphanet 3467, Orphanet 93602, MedGen C1863688, MONDO:0011346, OMIM 603592.

Allele frequency attached by ClinVar (database versions not stated): gnomAD 0.00019; TOPMed 0.00023; gnomAD exomes 0.00033; ESP Exome Variant Server 0.00046; ExAC 0.00080.
gnomAD v4.1: 586 of 1,588,708 alleles (0.037%); highest among the groups gnomAD compares: Non-Finnish European, 0.04%; 2 homozygotes.

Submissions (3):

PreventionGenetics, part of Exact Sciences
Classification: Likely benign for XDH-related condition. Last evaluated: 2025-07-23. Review status: criteria provided, single submitter. Criteria: ACMG Guidelines, 2015. Collection method: clinical testing. Allele origin: germline.
Comment: This variant is classified as likely benign based on ACMG/AMP sequence variant interpretation guidelines (Richards et al. 2015 PMID: 25741868, with internal and published modifications).

Labcorp Genetics (formerly Invitae), Labcorp
Classification: Likely benign for Xanthinuria type II. Last evaluated: 2025-06-03. Review status: criteria provided, single submitter. Criteria: Invitae Variant Classification Sherloc (09022015). Collection method: clinical testing. Allele origin: germline.

Illumina Laboratory Services, Illumina
Classification: Uncertain significance for Hereditary xanthinuria type 1. Last evaluated: 2018-01-12. Review status: criteria provided, single submitter. Criteria: ICSL Variant Classification Criteria 13 December 2019. Collection method: clinical testing. Allele origin: germline.

NM_000379.4(XDH):c.617C>T (p.Pro206Leu)

Gene: XDH (xanthine dehydrogenase; minus strand). Cytogenetic location: 2p23.1.
Variant type: single nucleotide variant.
Coding change: c.617C>T on transcript NM_000379.4 (MANE Select); coding-DNA position 617, C replaced by T.
Protein change: p.Pro206Leu; replaces proline 206 with leucine.
Molecular consequence: missense variant.
Genome position (GRCh38, 1-based): chr2:31,387,845, G>A on the plus strand (C>T on the coding strand, the complement: XDH is on the minus strand). VCF-style: chr2-31387845-G-A. GRCh37 (hg19) VCF-style: chr2-31610711-G-A.
Other names: short protein forms P206L.
Identifiers: ClinVar variation 335796 (VCV000335796.10), dbSNP rs201332711, ClinGen allele CA1599557.